The following is an entry in ClinVar:

NM_017952.6(PTCD3):c.640C>T (p.Gln214Ter)

Gene: PTCD3 (pentatricopeptide repeat domain 3; plus strand). Cytogenetic location: 2p11.2.
Variant type: single nucleotide variant.
Coding change: c.640C>T on transcript NM_017952.6 (MANE Select); coding-DNA position 640, C replaced by T.
Protein change: p.Gln214Ter; replaces glutamine 214 with a stop codon.
Molecular consequence: nonsense.
Genome position (GRCh38, 1-based): chr2:86,121,580, C>T. VCF-style: chr2-86121580-C-T. GRCh37 (hg19) VCF-style: chr2-86348703-C-T.
Other names: short protein forms Q214*.
Identifiers: ClinVar variation 4848068 (VCV004848068.2).

ClinVar aggregate classification (germline): Conflicting classifications of pathogenicity. Review status: criteria provided, conflicting classifications (1 of 4 stars). 2 submissions from 2 submitters: Pathogenic (1); Uncertain significance (1). Last evaluated 2026-02-03.

Conditions:
Combined oxidative phosphorylation deficiency 51. Identifiers: MedGen C5436703, MONDO:0033631, OMIM 619057.

gnomAD v4.1: 136 of 1,597,998 alleles (0.0085%); highest among the groups gnomAD compares: Non-Finnish European, 0.012%; no homozygotes.

Submissions (2):

Women's Health and Genetics/Laboratory Corporation of America, LabCorp
Classification: Pathogenic for Combined oxidative phosphorylation deficiency 51. Last evaluated: 2026-02-03. Review status: criteria provided, single submitter. Criteria: LabCorp Variant Classification Summary - May 2015. Collection method: clinical testing. Allele origin: germline.
Comment: Variant summary: PTCD3 c.640C>T (p.Gln214X) results in a premature termination codon, predicted to cause a truncation of the encoded protein or absence of the protein due to nonsense mediated decay, which are commonly known mechanisms for disease. The variant allele was found at a frequency of 3.3e-05 in 240534 control chromosomes. To our knowledge, no occurrence of c.640C>T in individuals affected with PTCD3-related conditions and no experimental evidence demonstrating its impact on protein function have been reported. No submitters have cited clinical-significance assessments for this variant to ClinVar. Based on the evidence outlined above, the variant was classified as pathogenic.

Blueprint Genetics
Classification: Uncertain significance. Last evaluated: 2024-08-12. Review status: criteria provided, single submitter. Criteria: ACMG Guidelines, 2015. Collection method: clinical testing. Allele origin: germline.